The following is an entry in ClinVar:

NM_000426.4(LAMA2):c.6056C>G (p.Thr2019Ser)

Gene: LAMA2 (laminin subunit alpha 2; plus strand). Cytogenetic location: 6q22.33.
Variant type: single nucleotide variant.
Coding change: c.6056C>G on transcript NM_000426.4 (MANE Select); coding-DNA position 6056, C replaced by G.
Protein change: p.Thr2019Ser; replaces threonine 2019 with serine.
Molecular consequence: missense variant.
Genome position (GRCh38, 1-based): chr6:129,438,733, C>G. VCF-style: chr6-129438733-C-G. GRCh37 (hg19) VCF-style: chr6-129759878-C-G.
Other names: c.6056C>G, p.Thr2019Ser (NM_001079823.2); short protein forms T2019S.
Identifiers: ClinVar variation 2064216 (VCV002064216.4), dbSNP rs142276947, ClinGen allele CA3994085.
Genomic context (GRCh38, chr6:129,438,733, plus strand): 5'-AAACCAGGATAGAAAATGCTGATGCTAGAAATGGGGATCTCTTGAGAACTTTGAATGACA[C>G]TTTGGGAAAGTTATCAGCTATTCCAAATGGTAAGCATTCAGGACACTACCAACTGTGTCA-3'
Protein context (NP_000417.3, residues 2009-2029): NGDLLRTLND[Thr2019Ser]LGKLSAIPND

ClinVar aggregate classification (germline): Uncertain significance (1 of 4 stars; one submission).

Conditions:
LAMA2-related muscular dystrophy (LAMA2-RD). Also called: Laminin alpha 2-related dystrophy. Identifiers: MedGen C5679788, MONDO:0100228.

Allele frequency attached by ClinVar (database versions not stated): TOPMed below 0.00001; ExAC 0.00001; gnomAD 0.00001; ESP Exome Variant Server 0.00008.
gnomAD v4.1: 1 of 1,599,214 alleles (0.000063%); highest among the groups gnomAD compares: African/African-American, 0.0013%; no homozygotes.

Submission:

Labcorp Genetics (formerly Invitae), Labcorp
Classification: Uncertain significance for LAMA2-related muscular dystrophy. Last evaluated: 2022-02-28. Review status: criteria provided, single submitter. Criteria: Invitae Variant Classification Sherloc (09022015). Collection method: clinical testing. Allele origin: germline.
Comment: In summary, the available evidence is currently insufficient to determine the role of this variant in disease. Therefore, it has been classified as a Variant of Uncertain Significance. Advanced modeling of protein sequence and biophysical properties (such as structural, functional, and spatial information, amino acid conservation, physicochemical variation, residue mobility, and thermodynamic stability) performed at Invitae indicates that this missense variant is not expected to disrupt LAMA2 protein function. This variant has not been reported in the literature in individuals affected with LAMA2-related conditions. This variant is present in population databases (rs142276947, gnomAD 0.007%). This sequence change replaces threonine, which is neutral and polar, with serine, which is neutral and polar, at codon 2019 of the LAMA2 protein (p.Thr2019Ser).